The following is an entry in ClinVar:

NM_017637.6(BNC2):c.3058T>G (p.Ser1020Ala)

Gene: BNC2 (basonuclin zinc finger protein 2; minus strand). Cytogenetic location: 9p22.3.
Variant type: single nucleotide variant.
Coding change: c.3058T>G on transcript NM_017637.6 (MANE Select); coding-DNA position 3058, T replaced by G.
Protein change: p.Ser1020Ala; replaces serine 1020 with alanine.
Molecular consequence: missense variant. On other transcripts: 3 prime UTR variant (1).
Genome position (GRCh38, 1-based): chr9:16,419,231, A>C on the plus strand (T>G on the coding strand, the complement: BNC2 is on the minus strand). VCF-style: chr9-16419231-A-C. GRCh37 (hg19) VCF-style: chr9-16419229-A-C.
Other names: c.*402T>G (NM_001317939.2); c.2773T>G, p.Ser925Ala (NM_001317940.2); short protein forms S1020A, S925A.
Identifiers: ClinVar variation 1940590 (VCV001940590.5), dbSNP rs1359540880, ClinGen allele CA372986810.

ClinVar aggregate classification (germline): Uncertain significance (1 of 4 stars; one submission).

Allele frequency attached by ClinVar (database versions not stated): gnomAD 0.00001; gnomAD exomes 0.00002; TOPMed 0.00002.
gnomAD v4.1: 37 of 1,614,076 alleles (0.0023%); highest among the groups gnomAD compares: Non-Finnish European, 0.0031%; no homozygotes.

Submission:

Labcorp Genetics (formerly Invitae), Labcorp
Classification: Uncertain significance. Last evaluated: 2022-08-19. Review status: criteria provided, single submitter. Criteria: Invitae Variant Classification Sherloc (09022015). Collection method: clinical testing. Allele origin: germline.
Comment: This variant is present in population databases (no rsID available, gnomAD 0.0009%). In summary, the available evidence is currently insufficient to determine the role of this variant in disease. Therefore, it has been classified as a Variant of Uncertain Significance. Algorithms developed to predict the effect of missense changes on protein structure and function output the following: SIFT: "Tolerated"; PolyPhen-2: "Benign"; Align-GVGD: "Class C0". The alanine amino acid residue is found in multiple mammalian species, which suggests that this missense change does not adversely affect protein function. This variant has not been reported in the literature in individuals affected with BNC2-related conditions. This sequence change replaces serine, which is neutral and polar, with alanine, which is neutral and non-polar, at codon 1020 of the BNC2 protein (p.Ser1020Ala).